The following is an entry in ClinVar:

ClinVar aggregate classification (germline): Likely benign (1 of 4 stars; one submission).

Conditions:
IFT27-related disorder. Also called: IFT27-related condition.

gnomAD v4.1: 2 of 1,610,610 alleles (0.00012%); highest among the groups gnomAD compares: Non-Finnish European, 0.00017%; no homozygotes.

Submission:

PreventionGenetics, part of Exact Sciences
Classification: Likely benign for IFT27-related condition. Last evaluated: 2025-08-05. Review status: criteria provided, single submitter. Criteria: ACMG Guidelines, 2015. Collection method: clinical testing. Allele origin: germline.
Comment: This variant is classified as likely benign based on ACMG/AMP sequence variant interpretation guidelines (Richards et al. 2015 PMID: 25741868, with internal and published modifications).

NM_001177701.3(IFT27):c.*6T>C

Genes: CACNG2-DT (CACNG2 divergent transcript; plus strand), IFT27 (intraflagellar transport 27; minus strand). Cytogenetic location: 22q12.3.
Variant type: single nucleotide variant.
Coding change: c.*6T>C on transcript NM_001177701.3 (MANE Select); 6 bases downstream of the stop codon, T replaced by C.
Molecular consequence: 3 prime UTR variant.
Genome position (GRCh38, 1-based): chr22:36,758,305, A>G on the plus strand (T>C on the coding strand, the complement: IFT27 is on the minus strand). VCF-style: chr22-36758305-A-G. GRCh37 (hg19) VCF-style: chr22-37154349-A-G.
Other names: c.*6T>C (NM_001363003.2, NM_006860.5).
Identifiers: ClinVar variation 4998352 (VCV004998352.1).